The following is an entry in ClinVar:

NM_003764.4(STX11):c.*1525A>G

Gene: STX11 (syntaxin 11; plus strand). Cytogenetic location: 6q24.2.
Variant type: single nucleotide variant.
Coding change: c.*1525A>G on transcript NM_003764.4 (MANE Select); 1525 bases downstream of the stop codon, A replaced by G.
Molecular consequence: 3 prime UTR variant.
Genome position (GRCh38, 1-based): chr6:144,189,016, A>G. VCF-style: chr6-144189016-A-G. GRCh37 (hg19) VCF-style: chr6-144510153-A-G.
Other names: c.*1525A>G (LRG_113t1).
Identifiers: ClinVar variation 355625 (VCV000355625.5), dbSNP rs7772146, ClinGen allele CA10623095.

ClinVar aggregate classification (germline): Benign (1 of 4 stars; one submission).

Conditions:
Familial hemophagocytic lymphohistiocytosis 4 (FHL4). Also called: STX11-Related Familial Hemophagocytic Lymphohistiocytosis (STX11-fHLH). Identifiers: Orphanet 540, MedGen C1863728, MONDO:0011336, OMIM 603552.

Allele frequency attached by ClinVar (database versions not stated): gnomAD 0.10769 and 0.10958; TOPMed 0.11114; 1000 Genomes Project 30x 0.16334; 1000 Genomes Project 0.16813.
gnomAD v4.1: 16,459 of 151,112 alleles (11%); highest among the groups gnomAD compares: East Asian, 35%; 1,423 homozygotes.

Submission:

Illumina Laboratory Services, Illumina
Classification: Benign for Familial hemophagocytic lymphohistiocytosis 4. Last evaluated: 2018-01-13. Review status: criteria provided, single submitter. Criteria: ICSL Variant Classification Criteria 13 December 2019. Collection method: clinical testing. Allele origin: germline.
Comment: This variant was observed in the ICSL laboratory as part of a predisposition screen in an ostensibly healthy population. It had not been previously curated by ICSL or reported in the Human Gene Mutation Database (HGMD: prior to June 1st, 2018), and was therefore a candidate for classification through an automated scoring system. Utilizing variant allele frequency, disease prevalence and penetrance estimates, and inheritance mode, an automated score was calculated to assess if this variant is too frequent to cause the disease. Based on the score and internal cut-off values, a variant classified as benign is not then subjected to further curation. The score for this variant resulted in a classification of benign for this disease.